The following is an entry in ClinVar:

ClinVar aggregate classification (germline): Benign. Review status: criteria provided, multiple submitters, no conflicts (2 of 4 stars). 3 submissions from 3 submitters: Benign (3). Last evaluated 2024-01-24.

Allele frequency attached by ClinVar (database versions not stated): gnomAD 0.30203 and 0.31071; gnomAD exomes 0.31087; TOPMed 0.31498; 1000 Genomes Project 30x 0.39647; 1000 Genomes Project 0.40595.
gnomAD v4.1: 309,163 of 994,110 alleles (31%); highest among the groups gnomAD compares: East Asian, 62%; 51,882 homozygotes.

Submissions (3):

Unidad de Genómica Garrahan, Hospital de Pediatría Garrahan
Classification: Benign. Last evaluated: 2024-01-24. Review status: criteria provided, single submitter. Criteria: ACMG Guidelines, 2015. Collection method: clinical testing. Allele origin: germline. Affected: no. Observed: 51 variant alleles.
Comment: This variant is classified as Benign based on local population frequency. This variant was detected in 58% of patients studied by a panel of primary immunodeficiencies. Number of patients: 51. Only high quality variants are reported.

GeneDx
Classification: Benign. Last evaluated: 2015-03-03. Review status: criteria provided, single submitter. Criteria: GeneDx Variant Classification Process June 2021. Collection method: clinical testing. Allele origin: germline. Affected: yes.

Breakthrough Genomics
Classification: Benign. Review status: criteria provided, single submitter. Criteria: ACMG Guidelines, 2015. Collection method: not provided. Allele origin: germline. Inheritance: Unknown mechanism. Affected: yes.

NM_001375808.2(LPIN2):c.2442+87A>G

Gene: LPIN2 (lipin 2; minus strand). Cytogenetic location: 18p11.31.
Variant type: single nucleotide variant.
Coding change: c.2442+87A>G on transcript NM_001375808.2 (MANE Select); 87 bases into the intron after coding-DNA position 2442, A replaced by G.
Molecular consequence: intron variant.
Genome position (GRCh38, 1-based): chr18:2,921,446, T>C on the plus strand (A>G on the coding strand, the complement: LPIN2 is on the minus strand). VCF-style: chr18-2921446-T-C. GRCh37 (hg19) VCF-style: chr18-2921444-T-C.
Other names: c.2442+87A>G (NM_014646.2, NM_001375809.1).
Identifiers: ClinVar variation 1281497 (VCV001281497.4), dbSNP rs2282635, ClinGen allele CA14543793.